The following is an entry in ClinVar:

ClinVar aggregate classification (germline): Uncertain significance. Review status: criteria provided, multiple submitters, no conflicts (2 of 4 stars). 2 submissions from 2 submitters: Uncertain significance (2). Last evaluated 2024-05-24.

Conditions:
Hereditary cancer-predisposing syndrome. Also called: Hereditary Cancer Syndrome; Neoplastic Syndromes, Hereditary; Tumor predisposition; Hereditary neoplastic syndrome. Identifiers: Orphanet 140162, MedGen C0027672, MeSH D009386, MONDO:0015356.
Bloom syndrome (BLM). Also called: Bloom-Torre-Machacek syndrome. Identifiers: Orphanet 125, MedGen C0005859, MONDO:0008876, OMIM 210900.

Submissions (2):

Ambry Genetics
Classification: Uncertain significance for Hereditary cancer-predisposing syndrome. Last evaluated: 2024-05-24. Review status: criteria provided, single submitter. Criteria: Ambry Variant Classification Scheme 2023. Collection method: clinical testing. Allele origin: germline.
Comment: The p.D240V variant (also known as c.719A>T), located in coding exon 2 of the BLM gene, results from an A to T substitution at nucleotide position 719. The aspartic acid at codon 240 is replaced by valine, an amino acid with highly dissimilar properties. This amino acid position is well conserved in available vertebrate species. In addition, this alteration is predicted to be tolerated by in silico analysis. Since supporting evidence is limited at this time, the clinical significance of this alteration remains unclear.

Labcorp Genetics (formerly Invitae), Labcorp
Classification: Uncertain significance for Bloom syndrome. Last evaluated: 2020-01-23. Review status: criteria provided, single submitter. Criteria: Invitae Variant Classification Sherloc (09022015). Collection method: clinical testing. Allele origin: germline.
Comment: In summary, the available evidence is currently insufficient to determine the role of this variant in disease. Therefore, it has been classified as a Variant of Uncertain Significance. Algorithms developed to predict the effect of missense changes on protein structure and function are either unavailable or do not agree on the potential impact of this missense change (SIFT: "Deleterious"; PolyPhen-2: "Benign"; Align-GVGD: "Class C0"). This variant has not been reported in the literature in individuals with BLM-related conditions. This variant is not present in population databases (ExAC no frequency). This sequence change replaces aspartic acid with valine at codon 240 of the BLM protein (p.Asp240Val). The aspartic acid residue is weakly conserved and there is a large physicochemical difference between aspartic acid and valine.

NM_000057.4(BLM):c.719A>T (p.Asp240Val)

Gene: BLM (BLM RecQ like helicase; plus strand). Cytogenetic location: 15q26.1.
Variant type: single nucleotide variant.
Coding change: c.719A>T on transcript NM_000057.4 (MANE Select); coding-DNA position 719, A replaced by T.
Protein change: p.Asp240Val; replaces aspartic acid 240 with valine.
Molecular consequence: missense variant. On other transcripts: 5 prime UTR variant (1).
Genome position (GRCh38, 1-based): chr15:90,749,987, A>T. VCF-style: chr15-90749987-A-T. GRCh37 (hg19) VCF-style: chr15-91293217-A-T.
Other names: c.719A>T, p.Asp240Val (NM_001287246.2, NM_001287247.2); c.-573A>T (NM_001287248.2); short protein forms D240V.
Identifiers: ClinVar variation 1024652 (VCV001024652.13), dbSNP rs757324067, ClinGen allele CA393841413.